The following is an entry in ClinVar:

NM_014727.3(KMT2B):c.7569G>A (p.Met2523Ile)

Gene: KMT2B (lysine methyltransferase 2B; plus strand). Cytogenetic location: 19q13.12.
Variant type: single nucleotide variant.
Coding change: c.7569G>A on transcript NM_014727.3 (MANE Select); coding-DNA position 7569, G replaced by A.
Protein change: p.Met2523Ile; replaces methionine 2523 with isoleucine.
Molecular consequence: missense variant.
Genome position (GRCh38, 1-based): chr19:35,737,654, G>A. VCF-style: chr19-35737654-G-A. GRCh37 (hg19) VCF-style: chr19-36228555-G-A.
Other names: short protein forms M2523I.
Identifiers: ClinVar variation 1968371 (VCV001968371.5), dbSNP rs1041725115, ClinGen allele CA307802327.

ClinVar aggregate classification (germline): Uncertain significance (1 of 4 stars; one submission).

Allele frequency attached by ClinVar (database versions not stated): gnomAD exomes below 0.00001; gnomAD 0.00001.
gnomAD v4.1: 4 of 1,563,560 alleles (0.00026%); highest among the groups gnomAD compares: Non-Finnish European, 0.00035%; no homozygotes.

Submission:

Labcorp Genetics (formerly Invitae), Labcorp
Classification: Uncertain significance. Last evaluated: 2023-12-14. Review status: criteria provided, single submitter. Criteria: Invitae Variant Classification Sherloc (09022015). Collection method: clinical testing. Allele origin: germline.
Comment: This sequence change replaces methionine, which is neutral and non-polar, with isoleucine, which is neutral and non-polar, at codon 2523 of the KMT2B protein (p.Met2523Ile). This variant is present in population databases (no rsID available, gnomAD 0.007%). This variant has not been reported in the literature in individuals affected with KMT2B-related conditions. ClinVar contains an entry for this variant (Variation ID: 1968371). Advanced modeling of protein sequence and biophysical properties (such as structural, functional, and spatial information, amino acid conservation, physicochemical variation, residue mobility, and thermodynamic stability) performed at Invitae indicates that this missense variant is expected to disrupt KMT2B protein function with a positive predictive value of 95%. In summary, the available evidence is currently insufficient to determine the role of this variant in disease. Therefore, it has been classified as a Variant of Uncertain Significance.